The following is an entry in ClinVar:

ClinVar aggregate classification (germline): Uncertain significance. Review status: criteria provided, multiple submitters, no conflicts (2 of 4 stars). 2 submissions from 2 submitters: Uncertain significance (2). Last evaluated 2024-01-28.

Conditions:
Xanthinuria type II. Also called: Xanthine dehydrogenase and aldehyde oxidase combined deficiency of; XDH and AOX dual deficiency. Identifiers: Orphanet 3467, Orphanet 93602, MedGen C1863688, MONDO:0011346, OMIM 603592.

Allele frequency attached by ClinVar (database versions not stated): gnomAD 0.00001; gnomAD exomes 0.00002; ExAC 0.00007.
gnomAD v4.1: 30 of 1,613,388 alleles (0.0019%); highest among the groups gnomAD compares: South Asian, 0.015%; no homozygotes.

Submissions (2):

Fulgent Genetics
Classification: Uncertain significance for Xanthinuria type II. Last evaluated: 2024-01-28. Review status: criteria provided, single submitter. Criteria: ACMG Guidelines, 2015. Collection method: clinical testing. Allele origin: germline.

Labcorp Genetics (formerly Invitae), Labcorp
Classification: Uncertain significance for Xanthinuria type II. Last evaluated: 2021-12-19. Review status: criteria provided, single submitter. Criteria: Invitae Variant Classification Sherloc (09022015). Collection method: clinical testing. Allele origin: germline.
Comment: This sequence change replaces asparagine, which is neutral and polar, with serine, which is neutral and polar, at codon 367 of the MOCOS protein (p.Asn367Ser). This variant is present in population databases (rs764235872, gnomAD 0.01%). This variant has not been reported in the literature in individuals affected with MOCOS-related conditions. Algorithms developed to predict the effect of missense changes on protein structure and function output the following: SIFT: "Deleterious"; PolyPhen-2: "Possibly Damaging"; Align-GVGD: "Class C0". The serine amino acid residue is found in multiple mammalian species, which suggests that this missense change does not adversely affect protein function. Algorithms developed to predict the effect of sequence changes on RNA splicing suggest that this variant may create or strengthen a splice site. In summary, the available evidence is currently insufficient to determine the role of this variant in disease. Therefore, it has been classified as a Variant of Uncertain Significance.

NM_017947.4(MOCOS):c.1100A>G (p.Asn367Ser)

Gene: MOCOS (molybdenum cofactor sulfurase; plus strand). Cytogenetic location: 18q12.2.
Variant type: single nucleotide variant.
Coding change: c.1100A>G on transcript NM_017947.4 (MANE Select); coding-DNA position 1100, A replaced by G.
Protein change: p.Asn367Ser; replaces asparagine 367 with serine.
Molecular consequence: missense variant.
Genome position (GRCh38, 1-based): chr18:36,205,158, A>G. VCF-style: chr18-36205158-A-G. GRCh37 (hg19) VCF-style: chr18-33785121-A-G.
Other names: short protein forms N367S.
Identifiers: ClinVar variation 2052107 (VCV002052107.2), dbSNP rs764235872, ClinGen allele CA8940624.